The following is an entry in ClinVar:

NM_198576.4(AGRN):c.1264G>A (p.Asp422Asn)

Gene: AGRN (agrin; plus strand). Cytogenetic location: 1p36.33.
Variant type: single nucleotide variant.
Coding change: c.1264G>A on transcript NM_198576.4 (MANE Select); coding-DNA position 1264, G replaced by A.
Protein change: p.Asp422Asn; replaces aspartic acid 422 with asparagine.
Molecular consequence: missense variant.
Genome position (GRCh38, 1-based): chr1:1,042,042, G>A. VCF-style: chr1-1042042-G-A. GRCh37 (hg19) VCF-style: chr1-977422-G-A.
Other names: c.1264G>A, p.Asp422Asn (NM_001305275.2); c.949G>A, p.Asp317Asn (NM_001364727.2); short protein forms D422N, D317N.
Identifiers: ClinVar variation 1040882 (VCV001040882.8), dbSNP rs1644958223, ClinGen allele CA337827851.
Genomic context (GRCh38, chr1:1,042,042, plus strand): 5'-AATGCCGTGTGCCTGTCCCGCCGTGGCCGTCCCCGCTGCTCCTGCGACCGCGTCACCTGT[G>A]ACGGGGCCTACAGGCCCGTGTGTGCCCAGGACGGGCGCACGTATGACAGTGATTGCTGGC-3'
Protein context (NP_940978.2, residues 412-432): PRCSCDRVTC[Asp422Asn]GAYRPVCAQD

ClinVar aggregate classification (germline): Uncertain significance (1 of 4 stars; one submission).

Conditions:
Congenital myasthenic syndrome 8. Also called: MYASTHENIC SYNDROME, CONGENITAL, DUE TO AGRIN DEFICIENCY; Myasthenic syndrome, congenital, 8, with pre- and postsynaptic defects. Identifiers: Orphanet 590, MedGen C3808739, MONDO:0014052, OMIM 615120.

Allele frequency attached by ClinVar (database versions not stated): gnomAD exomes 0.00001.
gnomAD v4.1: 3 of 1,609,444 alleles (0.00019%); highest among the groups gnomAD compares: Non-Finnish European, 0.00025%; no homozygotes.

Submission:

Labcorp Genetics (formerly Invitae), Labcorp
Classification: Uncertain significance for Congenital myasthenic syndrome 8. Last evaluated: 2020-10-09. Review status: criteria provided, single submitter. Criteria: Invitae Variant Classification Sherloc (09022015). Collection method: clinical testing. Allele origin: germline.
Comment: In summary, the available evidence is currently insufficient to determine the role of this variant in disease. Therefore, it has been classified as a Variant of Uncertain Significance. Algorithms developed to predict the effect of missense changes on protein structure and function are either unavailable or do not agree on the potential impact of this missense change (SIFT: "Deleterious"; PolyPhen-2: "Possibly Damaging"; Align-GVGD: "Class C0"). This variant has not been reported in the literature in individuals with AGRN-related conditions. This variant is not present in population databases (ExAC no frequency). This sequence change replaces aspartic acid with asparagine at codon 422 of the AGRN protein (p.Asp422Asn). The aspartic acid residue is highly conserved and there is a small physicochemical difference between aspartic acid and asparagine.